The following is an entry in ClinVar:

ClinVar aggregate classification (germline): Uncertain significance (1 of 4 stars; one submission).

Conditions:
Agammaglobulinemia 2, autosomal recessive (AGM2). Also called: AGAMMAGLOBULINEMIA, AUTOSOMAL RECESSIVE, DUE TO IGLL1 DEFECT. Identifiers: MedGen C3150750, MONDO:0013287, OMIM 613500.

Allele frequency attached by ClinVar (database versions not stated): gnomAD exomes below 0.00001; gnomAD 0.00001.
gnomAD v4.1: 3 of 1,612,012 alleles (0.00019%); highest among the groups gnomAD compares: Non-Finnish European, 0.00025%; no homozygotes.

Submission:

Labcorp Genetics (formerly Invitae), Labcorp
Classification: Uncertain significance for Agammaglobulinemia 2, autosomal recessive. Last evaluated: 2022-08-23. Review status: criteria provided, single submitter. Criteria: Invitae Variant Classification Sherloc (09022015). Collection method: clinical testing. Allele origin: germline.
Comment: In summary, the available evidence is currently insufficient to determine the role of this variant in disease. Therefore, it has been classified as a Variant of Uncertain Significance. Variants that disrupt the consensus splice site are a relatively common cause of aberrant splicing (PMID: 17576681, 9536098). Algorithms developed to predict the effect of sequence changes on RNA splicing suggest that this variant is not likely to affect RNA splicing. ClinVar contains an entry for this variant (Variation ID: 1508259). This variant has not been reported in the literature in individuals affected with IGLL1-related conditions. This variant is present in population databases (no rsID available, gnomAD 0.0009%). This sequence change falls in intron 2 of the IGLL1 gene. It does not directly change the encoded amino acid sequence of the IGLL1 protein. It affects a nucleotide within the consensus splice site.

Literature cited by the submitters: PubMed 17576681; PubMed 9536098.

NM_020070.4(IGLL1):c.323-3C>A

Gene: IGLL1 (immunoglobulin lambda like polypeptide 1; minus strand). Cytogenetic location: 22q11.23.
Variant type: single nucleotide variant.
Coding change: c.323-3C>A on transcript NM_020070.4 (MANE Select); 3 bases into the intron before coding-DNA position 323, C replaced by A.
Molecular consequence: intron variant.
Genome position (GRCh38, 1-based): chr22:23,573,588, G>T on the plus strand (C>A on the coding strand, the complement: IGLL1 is on the minus strand). VCF-style: chr22-23573588-G-T. GRCh37 (hg19) VCF-style: chr22-23915775-G-T.
Other names: c.207-3C>A (NM_152855.3); c.326-3C>A (NM_001369906.1).
Identifiers: ClinVar variation 1508259 (VCV001508259.6), dbSNP rs781180907, ClinGen allele CA638682302.
Genomic context (GRCh38, chr22:23,573,588, plus strand): 5'-TGGAGCTCCTCAGAGGACGGCGGGAACAGAGTGACCGAGGGGGTGGCCTTGGGCTGACCT[G>T]TGTGGACAGAGGAGGGGGTGAGAGATGGCAGAGGGAGTGTGGGGTGTTGTGGAGCGCCTC-3'